The following is an entry in ClinVar:

ClinVar aggregate classification (germline): Pathogenic. Review status: criteria provided, multiple submitters, no conflicts (2 of 4 stars). 4 submissions from 4 submitters: Pathogenic (4). Last evaluated 2024-03-11.

Conditions:
Familial cancer of breast. Also called: BREAST CANCER, FAMILIAL; hereditary breast carcinoma; Hereditary breast cancer. Identifiers: Orphanet 227535, MedGen C0346153, MONDO:0016419, OMIM 114480. Disease mechanism: loss of function.
Hereditary cancer-predisposing syndrome. Also called: Neoplastic Syndromes, Hereditary; Tumor predisposition; Hereditary Cancer Syndrome; Hereditary neoplastic syndrome. Identifiers: Orphanet 140162, MedGen C0027672, MeSH D009386, MONDO:0015356.

Submissions (4):

Labcorp Genetics (formerly Invitae), Labcorp
Classification: Pathogenic for Familial cancer of breast. Last evaluated: 2024-03-11. Review status: criteria provided, single submitter. Criteria: Invitae Variant Classification Sherloc (09022015). Collection method: clinical testing. Allele origin: germline.
Comment: This sequence change creates a premature translational stop signal (p.Glu1120*) in the PALB2 gene. While this is not anticipated to result in nonsense mediated decay, it is expected to disrupt the last 67 amino acid(s) of the PALB2 protein. This variant is not present in population databases (gnomAD no frequency). This variant has not been reported in the literature in individuals affected with PALB2-related conditions. ClinVar contains an entry for this variant (Variation ID: 230789). This variant disrupts a region of the PALB2 protein in which other variant(s) (p.Tyr1183*) have been determined to be pathogenic (PMID: 17200671, 20927582, 21165770, 21365267). This suggests that this is a clinically significant region of the protein, and that variants that disrupt it are likely to be disease-causing. For these reasons, this variant has been classified as Pathogenic.

Myriad Genetics, Inc.
Classification: Pathogenic for Familial cancer of breast. Last evaluated: 2023-09-15. Review status: criteria provided, single submitter. Criteria: Myriad Autosomal Dominant, Autosomal Recessive and X-Linked Classification Criteria (2023). Collection method: clinical testing. Allele origin: unknown.
Comment: This variant is considered pathogenic. This variant creates a termination codon and is predicted to result in premature protein truncation.

Color Diagnostics, LLC DBA Color Health
Classification: Pathogenic for Hereditary cancer-predisposing syndrome. Last evaluated: 2020-08-03. Review status: criteria provided, single submitter. Criteria: ACMG Guidelines, 2015. Collection method: clinical testing. Allele origin: germline.
Comment: This variant changes 1 nucleotide in exon 13 of the PALB2 gene, creating a premature translation stop signal. This variant is expected to truncate the WD40 repeats important for BRCA2 and RAD51 binding (PMID: 19609323, 20871615, 25099575). To our knowledge, this variant has not been reported in individuals affected with hereditary cancer in the literature. This variant has not been identified in the general population by the Genome Aggregation Database (gnomAD). Loss of PALB2 function is a known mechanism of disease. Based on the available evidence, this variant is classified as Pathogenic.

Ambry Genetics
Classification: Pathogenic for Hereditary cancer-predisposing syndrome. Last evaluated: 2015-03-10. Review status: criteria provided, single submitter. Criteria: Ambry Variant Classification Scheme 2023. Collection method: clinical testing. Allele origin: germline.
Comment: The p.E1120* pathogenic mutation (also known as c.3358G>T) located in coding exon 13 of the PALB2 gene, results from a G to T substitution at nucleotide position 3358. This changes the amino acid from a glutamic acid to a stop codon within coding exon 13. Since premature stop codons are typically deleterious in nature, this alteration is interpreted as a disease-causing mutation (ACMG Recommendations for Standards for Interpretation and Reporting of Sequence Variations. Revision 2007. Genet Med. 2008;10:294).

Literature cited by the submitters: PubMed 17200671 (cited by Labcorp Genetics (formerly Invitae), Labcorp); PubMed 20927582 (cited by Labcorp Genetics (formerly Invitae), Labcorp); PubMed 21165770 (cited by Labcorp Genetics (formerly Invitae), Labcorp); PubMed 21365267 (cited by Labcorp Genetics (formerly Invitae), Labcorp).

NM_024675.4(PALB2):c.3358G>T (p.Glu1120Ter)

Gene: PALB2 (partner and localizer of BRCA2; minus strand). Cytogenetic location: 16p12.2.
Variant type: single nucleotide variant.
Coding change: c.3358G>T on transcript NM_024675.4 (MANE Select); coding-DNA position 3358, G replaced by T.
Protein change: p.Glu1120Ter; replaces glutamic acid 1120 with a stop codon.
Molecular consequence: nonsense.
Genome position (GRCh38, 1-based): chr16:23,603,662, C>A on the plus strand (G>T on the coding strand, the complement: PALB2 is on the minus strand). VCF-style: chr16-23603662-C-A. GRCh37 (hg19) VCF-style: chr16-23614983-C-A.
Other names: short protein forms E1120*.
Identifiers: ClinVar variation 230789 (VCV000230789.10), dbSNP rs876658773, ClinGen allele CA10579919.